The following is an entry in ClinVar:

NM_021922.3(FANCE):c.199C>A (p.Leu67Met)

Genes: FANCE (FA complementation group E; plus strand), LOC129996245 (ATAC-STARR-seq lymphoblastoid silent region 17092; plus strand). Cytogenetic location: 6p21.31.
Variant type: single nucleotide variant.
Coding change: c.199C>A on transcript NM_021922.3 (MANE Select); coding-DNA position 199, C replaced by A.
Protein change: p.Leu67Met; replaces leucine 67 with methionine.
Molecular consequence: missense variant.
Genome position (GRCh38, 1-based): chr6:35,452,744, C>A. VCF-style: chr6-35452744-C-A. GRCh37 (hg19) VCF-style: chr6-35420521-C-A.
Other names: short protein forms L67M.
Identifiers: ClinVar variation 809924 (VCV000809924.44), dbSNP rs1161408735, ClinGen allele CA363770682.

ClinVar aggregate classification (germline): Uncertain significance. Review status: criteria provided, multiple submitters, no conflicts (2 of 4 stars). 2 submissions from 2 submitters: Uncertain significance (2). Last evaluated 2023-09-03.

Conditions:
Fanconi anemia complementation group E (FANCE). Also called: FANCE-Related Fanconi Anemia. Identifiers: Orphanet 84, MedGen C3160739, MONDO:0010953, OMIM 600901.

Allele frequency attached by ClinVar (database versions not stated): TOPMed 0.00001; gnomAD 0.00003.
gnomAD v4.1: 4 of 1,266,250 alleles (0.00032%); highest among the groups gnomAD compares: Non-Finnish European, 0.0003%; no homozygotes.

Submissions (2):

Labcorp Genetics (formerly Invitae), Labcorp
Classification: Uncertain significance for Fanconi anemia complementation group E. Last evaluated: 2023-09-03. Review status: criteria provided, single submitter. Criteria: Invitae Variant Classification Sherloc (09022015). Collection method: clinical testing. Allele origin: germline.
Comment: This sequence change replaces leucine, which is neutral and non-polar, with methionine, which is neutral and non-polar, at codon 67 of the FANCE protein (p.Leu67Met). In summary, the available evidence is currently insufficient to determine the role of this variant in disease. Therefore, it has been classified as a Variant of Uncertain Significance. Advanced modeling of protein sequence and biophysical properties (such as structural, functional, and spatial information, amino acid conservation, physicochemical variation, residue mobility, and thermodynamic stability) performed at Invitae indicates that this missense variant is expected to disrupt FANCE protein function. ClinVar contains an entry for this variant (Variation ID: 809924). This variant has not been reported in the literature in individuals affected with FANCE-related conditions. This variant is present in population databases (no rsID available, gnomAD 0.03%).

CeGaT Center for Human Genetics Tuebingen
Classification: Uncertain significance. Last evaluated: 2016-10-01. Review status: criteria provided, single submitter. Criteria: CeGaT Center For Human Genetics Tuebingen Variant Classification Criteria Version 2. Collection method: clinical testing. Allele origin: germline. Affected: yes. Observed: 1 variant allele.